The following is an entry in ClinVar:

NM_012414.4(RAB3GAP2):c.112C>T (p.Pro38Ser)

Gene: RAB3GAP2 (RAB3 GTPase activating non-catalytic protein subunit 2; minus strand). Cytogenetic location: 1q41.
Variant type: single nucleotide variant.
Coding change: c.112C>T on transcript NM_012414.4 (MANE Select); coding-DNA position 112, C replaced by T.
Protein change: p.Pro38Ser; replaces proline 38 with serine.
Molecular consequence: missense variant.
Genome position (GRCh38, 1-based): chr1:220,272,226, G>A on the plus strand (C>T on the coding strand, the complement: RAB3GAP2 is on the minus strand). VCF-style: chr1-220272226-G-A. GRCh37 (hg19) VCF-style: chr1-220445568-G-A.
Other names: short protein forms P38S.
Identifiers: ClinVar variation 767261 (VCV000767261.16), dbSNP rs138796052, ClinGen allele CA1403147.

ClinVar aggregate classification (germline): Conflicting classifications of pathogenicity. Review status: criteria provided, conflicting classifications (1 of 4 stars). 5 submissions from 5 submitters: Uncertain significance (1); Likely benign (3). 1 of the submissions does not count toward it. Last evaluated 2025-09-10.

Conditions:
Inborn genetic diseases. Identifiers: MedGen C0950123, MeSH D030342.
RAB3GAP2-related disorder. Also called: RAB3GAP2-related disorders; RAB3GAP2-related condition.
Martsolf syndrome (MARTS). Also called: Congenital cataract with intellectual disability and hypogonadotropic hypogonadism syndrome. Identifiers: Orphanet 1387, MedGen C0796037, MONDO:0023910.
Warburg micro syndrome 2 (WARBM2). Also called: MICRO SYNDROME 2. Identifiers: Orphanet 2510, MedGen C3280214, MONDO:0013641, OMIM 614225.

Allele frequency attached by ClinVar (database versions not stated): ESP Exome Variant Server 0.00069; gnomAD 0.00096 and 0.00102; TOPMed 0.00097.

Submissions (5):

Ambry Genetics
Classification: Likely benign for Inborn genetic diseases. Last evaluated: 2025-09-10. Review status: criteria provided, single submitter. Criteria: Ambry Variant Classification Scheme 2023. Collection method: clinical testing. Allele origin: germline.

Labcorp Genetics (formerly Invitae), Labcorp
Classification: Likely benign for Martsolf syndrome; Warburg micro syndrome 2. Last evaluated: 2025-03-17. Review status: criteria provided, single submitter. Criteria: Invitae Variant Classification Sherloc (09022015). Collection method: clinical testing. Allele origin: germline.

GeneDx
Classification: Likely benign. Last evaluated: 2020-07-21. Review status: criteria provided, single submitter. Criteria: GeneDx Variant Classification Process June 2021. Collection method: clinical testing. Allele origin: germline. Affected: yes.

Revvity Omics, Revvity
Classification: Uncertain significance. Last evaluated: 2019-01-16. Review status: criteria provided, single submitter. Criteria: ACMG Guidelines, 2015. Collection method: clinical testing. Allele origin: germline.

PreventionGenetics, part of Exact Sciences
Classification: Likely benign for RAB3GAP2-related condition. Last evaluated: 2023-02-01. Review status: no assertion criteria provided. Collection method: clinical testing. Allele origin: germline. Not counted in ClinVar's aggregate classification.
Comment: This variant is classified as likely benign based on ACMG/AMP sequence variant interpretation guidelines (Richards et al. 2015 PMID: 25741868, with internal and published modifications).